The following is an entry in ClinVar:

ClinVar aggregate classification (germline): Uncertain significance (1 of 4 stars; one submission).

Submission:

Labcorp Genetics (formerly Invitae), Labcorp
Classification: Uncertain significance. Last evaluated: 2021-09-01. Review status: criteria provided, single submitter. Criteria: Invitae Variant Classification Sherloc (09022015). Collection method: clinical testing. Allele origin: germline.
Comment: This sequence change replaces leucine with proline at codon 594 of the AGBL5 protein (p.Leu594Pro). The leucine residue is highly conserved and there is a moderate physicochemical difference between leucine and proline. This variant is not present in population databases (ExAC no frequency). This variant has not been reported in the literature in individuals affected with AGBL5-related conditions. Algorithms developed to predict the effect of missense changes on protein structure and function (SIFT, PolyPhen-2, Align-GVGD) all suggest that this variant is likely to be disruptive. In summary, the available evidence is currently insufficient to determine the role of this variant in disease. Therefore, it has been classified as a Variant of Uncertain Significance.

NM_021831.6(AGBL5):c.1781T>C (p.Leu594Pro)

Gene: AGBL5 (AGBL carboxypeptidase 5; plus strand). Cytogenetic location: 2p23.3.
Variant type: single nucleotide variant.
Coding change: c.1781T>C on transcript NM_021831.6 (MANE Select); coding-DNA position 1781, T replaced by C.
Protein change: p.Leu594Pro; replaces leucine 594 with proline.
Molecular consequence: missense variant. On other transcripts: non-coding transcript variant (2).
Genome position (GRCh38, 1-based): chr2:27,058,509, T>C. VCF-style: chr2-27058509-T-C. GRCh37 (hg19) VCF-style: chr2-27281377-T-C.
Other names: c.1781T>C, p.Leu594Pro (NM_001035507.3); short protein forms L594P.
Identifiers: ClinVar variation 1506419 (VCV001506419.5), dbSNP rs2148283856, ClinGen allele CA346186668.